The following is an entry in ClinVar:

NM_000059.4(BRCA2):c.8745_8748dup (p.Glu2918fs)

Gene: BRCA2 (BRCA2 DNA repair associated; plus strand). Cytogenetic location: 13q13.1.
Variant type: Duplication.
Coding change: c.8745_8748dup on transcript NM_000059.4 (MANE Select); coding-DNA positions 8745 to 8748, 4 bases duplicated (TTAC; older notation c.8745_8748dupTTAC).
Protein change: p.Glu2918fs; shifts the reading frame from glutamic acid 2918.
Molecular consequence: frameshift variant.
Genome position (GRCh38, 1-based): chr13:32,376,782-32,376,785, TTAC duplicated; duplicating any 4 consecutive bases within chr13:32,376,781-32,376,785 gives the same sequence; the c. name uses the placement nearest the transcript's 3' end. VCF-style (leftmost placement, unchanged base first): chr13-32376780-G-GCTTA. GRCh37 (hg19) VCF-style: chr13-32950917-G-GCTTA.
Other names: 8976ins4; c.8745_8748dupTTAC (NM_000059.3); short protein forms E2918fs.
Identifiers: ClinVar variation 126189 (VCV000126189.16), dbSNP rs80359727, ClinGen allele CA025800.

ClinVar aggregate classification (germline): Pathogenic. Review status: reviewed by expert panel (3 of 4 stars). 6 submissions from 6 submitters: Pathogenic (1). 5 of the submissions do not count toward it. Last evaluated 2016-09-08.

Conditions:
Hereditary cancer-predisposing syndrome. Also called: Tumor predisposition; Hereditary Cancer Syndrome; Neoplastic Syndromes, Hereditary; Hereditary neoplastic syndrome. Identifiers: Orphanet 140162, MedGen C0027672, MeSH D009386, MONDO:0015356.
Hereditary breast ovarian cancer syndrome. Also called: Hereditary breast and ovarian cancer; Hereditary breast and/or ovarian cancer syndrome; BRCA1- and BRCA2-Associated Hereditary Breast and Ovarian Cancer; Hereditary breast and ovarian cancer syndrome; Hereditary breast and ovarian cancer syndrome (HBOC); Breast and ovarian cancer. Identifiers: Orphanet 145, MedGen C0677776, MeSH D061325, MONDO:0003582. Disease mechanism: loss of function.
Breast-ovarian cancer, familial, susceptibility to, 2 (BROVCA2). Also called: BRCA2 Hereditary Breast and Ovarian Cancer. Identifiers: Orphanet 145, MedGen C2675520, MONDO:0012933, OMIM 612555. Disease mechanism: loss of function.

Submissions (6):

Evidence-based Network for the Interpretation of Germline Mutant Alleles (ENIGMA)
Classification: Pathogenic for Breast-ovarian cancer, familial, susceptibility to, 2. Last evaluated: 2016-09-08. Review status: reviewed by expert panel. Criteria: ENIGMA BRCA1/2 Classification Criteria (2015). Collection method: curation. Allele origin: germline.
Comment: Variant allele predicted to encode a truncated non-functional protein.

Ambry Genetics
Classification: Pathogenic for Hereditary cancer-predisposing syndrome. Last evaluated: 2025-02-27. Review status: criteria provided, single submitter. Criteria: Ambry Variant Classification Scheme 2023. Collection method: clinical testing. Allele origin: germline. Not counted in ClinVar's aggregate classification.
Comment: The c.8745_8748dupTTAC (p.E2918Pfs*2) alteration, located in exon 21 (coding exon 20) of the BRCA2 gene, consists of a duplication of TTAC at position 8745, causing a translational frameshift with a predicted alternate stop codon after 2 amino acids. This alteration is expected to result in loss of function by premature protein truncation or nonsense-mediated mRNA decay. This variant was not reported in population-based cohorts in the Genome Aggregation Database (gnomAD). Based on the available evidence, this alteration is classified as pathogenic.

Labcorp Genetics (formerly Invitae), Labcorp
Classification: Pathogenic for Hereditary breast ovarian cancer syndrome. Last evaluated: 2024-11-20. Review status: criteria provided, single submitter. Criteria: Invitae Variant Classification Sherloc (09022015). Collection method: clinical testing. Allele origin: germline. Not counted in ClinVar's aggregate classification.
Comment: This sequence change creates a premature translational stop signal (p.Glu2918Profs*2) in the BRCA2 gene. It is expected to result in an absent or disrupted protein product. Loss-of-function variants in BRCA2 are known to be pathogenic (PMID: 20104584). This variant is not present in population databases (gnomAD no frequency). This variant has not been reported in the literature in individuals affected with BRCA2-related conditions. ClinVar contains an entry for this variant (Variation ID: 126189). For these reasons, this variant has been classified as Pathogenic.

ARUP Laboratories, Molecular Genetics and Genomics, ARUP Laboratories
Classification: Pathogenic. Last evaluated: 2024-05-06. Review status: criteria provided, single submitter. Criteria: ARUP Molecular Germline Variant Investigation Process 2024. Collection method: clinical testing. Allele origin: germline. Not counted in ClinVar's aggregate classification.
Comment: The BRCA2 c.8745_8748dup; p.Glu2918ProfsTer2 variant (rs80359727), to our knowledge, is not reported in the medical literature but is reported as pathogenic in ClinVar (Variation ID: 126189). This variant is absent from the Genome Aggregation Database (v2.1.1), indicating it is not a common polymorphism. This variant causes a frameshift by inserting four nucleotides, so it is predicted to result in a truncated protein or mRNA subject to nonsense-mediated decay. Based on available information, this variant is considered to be pathogenic.

Color Diagnostics, LLC DBA Color Health
Classification: Pathogenic for Hereditary cancer-predisposing syndrome. Last evaluated: 2022-02-10. Review status: criteria provided, single submitter. Criteria: ACMG Guidelines, 2015. Collection method: clinical testing. Allele origin: germline. Not counted in ClinVar's aggregate classification.
Comment: This variant inserts 4 nucleotides in exon 21 of the BRCA2 gene, creating a frameshift and premature translation stop signal. This variant is expected to result in an absent or non-functional protein product. This variant has been reported in individuals affected with early onset breast cancer (Color internal data). This variant has not been identified in the general population by the Genome Aggregation Database (gnomAD). Loss of BRCA2 function is a known mechanism of disease. Based on the available evidence, this variant is classified as Pathogenic.

Breast Cancer Information Core (BIC) (BRCA2)
Classification: Pathogenic for Breast-ovarian cancer, familial 2. Last evaluated: 2003-12-23. Review status: no assertion criteria provided. Collection method: clinical testing. Allele origin: germline. Affected: yes. Observed: 1 variant allele. Not counted in ClinVar's aggregate classification.

Literature cited by the submitters: PubMed 20104584 (cited by Labcorp Genetics (formerly Invitae), Labcorp).